The following is an entry in ClinVar:

NM_017780.4(CHD7):c.7706T>C (p.Ile2569Thr)

Gene: CHD7 (chromodomain helicase DNA binding protein 7; plus strand). Cytogenetic location: 8q12.2.
Variant type: single nucleotide variant.
Coding change: c.7706T>C on transcript NM_017780.4 (MANE Select); coding-DNA position 7706, T replaced by C.
Protein change: p.Ile2569Thr; replaces isoleucine 2569 with threonine.
Molecular consequence: missense variant. On other transcripts: intron variant (1).
Genome position (GRCh38, 1-based): chr8:60,861,001, T>C. VCF-style: chr8-60861001-T-C. GRCh37 (hg19) VCF-style: chr8-61773560-T-C.
Other names: c.1717-1228T>C (NM_001316690.1); short protein forms I2569T.
Identifiers: ClinVar variation 2853303 (VCV002853303.3), dbSNP rs2488107476, ClinGen allele CA371304520.
Genomic context (GRCh38, chr8:60,861,001, plus strand): 5'-TAGAGACCCCACCAACAAGAAACATTCCTTCTCCCGGACAGCTGGACCCAGACACACGGA[T>C]CCCTGTTATCAATCTTGAAGATGGGACTAGGCTGGTGGGGGAAGATGCTCCTAAAAATAA-3'
Protein context (NP_060250.2, residues 2559-2579): SPGQLDPDTR[Ile2569Thr]PVINLEDGTR

ClinVar aggregate classification (germline): Uncertain significance (1 of 4 stars; one submission).

Conditions:
CHARGE syndrome (CHARGE). Also called: Hittner Hirsch Kreh syndrome; CHARGE ASSOCIATION--COLOBOMA, HEART ANOMALY, CHOANAL ATRESIA, RETARDATION, GENITAL AND EAR ANOMALIES; Coloboma, heart anomaly, choanal atresia, retardation, genital and ear anomalies; CHARGE association; Hall-Hittner syndrome. Identifiers: Orphanet 138, MedGen C0265354, MONDO:0008965.

Submission:

Labcorp Genetics (formerly Invitae), Labcorp
Classification: Uncertain significance for CHARGE syndrome. Last evaluated: 2023-08-31. Review status: criteria provided, single submitter. Criteria: Invitae Variant Classification Sherloc (09022015). Collection method: clinical testing. Allele origin: germline.
Comment: This sequence change replaces isoleucine, which is neutral and non-polar, with threonine, which is neutral and polar, at codon 2569 of the CHD7 protein (p.Ile2569Thr). In summary, the available evidence is currently insufficient to determine the role of this variant in disease. Therefore, it has been classified as a Variant of Uncertain Significance. Advanced modeling of protein sequence and biophysical properties (such as structural, functional, and spatial information, amino acid conservation, physicochemical variation, residue mobility, and thermodynamic stability) performed at Invitae indicates that this missense variant is not expected to disrupt CHD7 protein function. This variant has not been reported in the literature in individuals affected with CHD7-related conditions. This variant is not present in population databases (gnomAD no frequency).